The following is an entry in ClinVar:

ClinVar aggregate classification (germline): Pathogenic/Likely pathogenic. Review status: criteria provided, multiple submitters, no conflicts (2 of 4 stars). 2 submissions from 2 submitters: Pathogenic (1); Likely pathogenic (1). Last evaluated 2026-08-17.

Conditions:
Dilated cardiomyopathy 1G (CMD1G). Identifiers: Orphanet 154, MedGen C1858763, MONDO:0011400, OMIM 604145.
Cardiovascular phenotype. Identifiers: MedGen CN230736.

Submissions (2):

Institute of Human Genetics, University of Leipzig Medical Center
Classification: Pathogenic for Dilated cardiomyopathy 1G. Last evaluated: 2026-08-17. Review status: criteria provided, single submitter. Criteria: ACMG Guidelines, 2015. Collection method: clinical testing. Allele origin: unknown. Inheritance: Autosomal dominant inheritance. Affected: yes.
Comment: Criteria applied: PVS1,PM2,PS4_SUP

Ambry Genetics
Classification: Likely pathogenic for Cardiovascular phenotype. Last evaluated: 2021-02-18. Review status: criteria provided, single submitter. Criteria: Ambry Variant Classification Scheme 2023. Collection method: clinical testing. Allele origin: germline.
Comment: The c.9841_9842delTC variant, located in coding exon 40 of the TTN gene, results from a deletion of two nucleotides at nucleotide positions 9841 to 9842, causing a translational frameshift with a predicted alternate stop codon (p.V3282Gfs*9). This exon is located in the I-band region of the N2-B isoform of the titin protein and is constitutively expressed in TTN transcripts (percent spliced in or PSI 100%). This alteration is expected to result in loss of function by premature protein truncation or nonsense-mediated mRNA decay. While truncating variants in TTN are present in 1-3% of the general population, truncating variants in the A-band are the most common cause of dilated cardiomyopathy (DCM) (Herman DS et al. N. Engl. J. Med., 2012 Feb;366:619-28; Roberts AM et al. Sci Transl Med, 2015 Jan;7:270ra6). TTN truncating variants encoded in constitutive exons (PSI >90%) have been found to be significantly associated with DCM regardless of their position in titin (Schafer S et al. Nat. Genet., 2017 01;49:46-53). As such, this alteration is classified as likely pathogenic.

NM_001267550.2(TTN):c.9979_9980del (p.Val3328fs)

Gene: TTN (titin; minus strand). Cytogenetic location: 2q31.2.
Variant type: Microsatellite.
Coding change: c.9979_9980del on transcript NM_001267550.2 (MANE Select); coding-DNA positions 9979 to 9980, 2 bases deleted (TC; older notation c.9979_9980delTC).
Protein change: p.Val3328fs; shifts the reading frame from valine 3328.
Molecular consequence: frameshift variant.
Genome position (GRCh38, 1-based): chr2:178,764,535-178,764,536, GA deleted on the plus strand (TC on the coding strand, the reverse complement: TTN is on the minus strand); deleting any 2 consecutive bases within chr2:178,764,535-178,764,539 gives the same sequence; the c. name uses the placement nearest the transcript's 3' end. VCF-style (leftmost placement, unchanged base first): chr2-178764534-TGA-T. GRCh37 (hg19) VCF-style: chr2-179629261-TGA-T.
Other names: c.9841_9842delTC (NM_003319.4); c.9979_9980del, p.Val3328fs (NM_001256850.1, NM_133378.4, NM_133379.5); c.9841_9842del, p.Val3282fs (NM_003319.4, NM_133432.3, NM_133437.4); short protein forms V3328fs, V3282fs.
Identifiers: ClinVar variation 1768363 (VCV001768363.3), dbSNP rs2532183675, ClinGen allele CA2580616619.